The following is an entry in ClinVar:

NM_001136191.3(KANK2):c.1986C>T (p.Ile662=)

Gene: KANK2 (KN motif and ankyrin repeat domains 2; minus strand). Cytogenetic location: 19p13.2.
Variant type: single nucleotide variant.
Coding change: c.1986C>T on transcript NM_001136191.3 (MANE Select); coding-DNA position 1986, C replaced by T.
Protein change: p.Ile662=; no amino-acid change (isoleucine 662 retained).
Molecular consequence: synonymous variant.
Genome position (GRCh38, 1-based): chr19:11,174,555, G>A on the plus strand (C>T on the coding strand, the complement: KANK2 is on the minus strand). VCF-style: chr19-11174555-G-A. GRCh37 (hg19) VCF-style: chr19-11285231-G-A.
Other names: c.1986C>T, p.Ile662= (NM_001379563.1, NM_001329451.2, NM_001379555.1 and 7 more transcripts); c.2010C>T, p.Ile670= (NM_015493.7, NM_001379548.1, NM_001379549.1 and 5 more transcripts).
Identifiers: ClinVar variation 717273 (VCV000717273.23), dbSNP rs148849463, ClinGen allele CA9205438.
Genomic context (GRCh38, chr19:11,174,555, plus strand): 5'-CACGGGGAAGTTGGCATGAGACACGGAGTAGTGCAGGGCTGTGTTGCCGTTGCTGTCGGC[G>A]ATGTTGACCACGTAGTCCAGCAGCCGCGCAGACATGGCCCGGAACGTGACCAGGTGCCGC-3'
Protein context (NP_001129663.1, residues 652-672): SARLLDYVVN[Ile662=]ADSNGNTALH

ClinVar aggregate classification (germline): Benign/Likely benign. Review status: criteria provided, multiple submitters, no conflicts (2 of 4 stars). 3 submissions from 3 submitters: Benign (2); Likely benign (1). Last evaluated 2025-11-28.

Allele frequency attached by ClinVar (database versions not stated): 1000 Genomes Project 0.00180; 1000 Genomes Project 30x 0.00234; TOPMed 0.00268; gnomAD 0.00292 and 0.00299; gnomAD exomes 0.00326; ExAC 0.00373; ESP Exome Variant Server 0.00392.
gnomAD v4.1: 7,386 of 1,613,598 alleles (0.46%); highest among the groups gnomAD compares: Non-Finnish European, 0.55%; 24 homozygotes.

Submissions (3):

Labcorp Genetics (formerly Invitae), Labcorp
Classification: Benign. Last evaluated: 2025-11-28. Review status: criteria provided, single submitter. Criteria: Invitae Variant Classification Sherloc (09022015). Collection method: clinical testing. Allele origin: germline.

CeGaT Center for Human Genetics Tuebingen
Classification: Likely benign. Last evaluated: 2025-06-01. Review status: criteria provided, single submitter. Criteria: CeGaT Center For Human Genetics Tuebingen Variant Classification Criteria Version 2. Collection method: clinical testing. Allele origin: germline. Affected: yes. Observed: 3 variant alleles.
Comment: KANK2: BP4, BP7, BS2

Breakthrough Genomics
Classification: Benign. Review status: criteria provided, single submitter. Criteria: ACMG Guidelines, 2015. Collection method: not provided. Allele origin: germline. Inheritance: Autosomal recessive inheritance. Affected: yes.